The following is an entry in ClinVar:

NM_015909.4(NBAS):c.3833A>G (p.Glu1278Gly)

Gene: NBAS (NBAS subunit of NRZ tethering complex; minus strand). Cytogenetic location: 2p24.3.
Variant type: single nucleotide variant.
Coding change: c.3833A>G on transcript NM_015909.4 (MANE Select); coding-DNA position 3833, A replaced by G.
Protein change: p.Glu1278Gly; replaces glutamic acid 1278 with glycine.
Molecular consequence: missense variant. On other transcripts: non-coding transcript variant (1).
Genome position (GRCh38, 1-based): chr2:15,356,401, T>C on the plus strand (A>G on the coding strand, the complement: NBAS is on the minus strand). VCF-style: chr2-15356401-T-C. GRCh37 (hg19) VCF-style: chr2-15496525-T-C.
Other names: c.3833A>G (NM_015909.3, NM_015909.2); short protein forms E1278G.
Identifiers: ClinVar variation 1123906 (VCV001123906.12), dbSNP rs143200998, ClinGen allele CA1535887.

ClinVar aggregate classification (germline): Likely benign. Review status: criteria provided, multiple submitters, no conflicts (2 of 4 stars). 3 submissions from 3 submitters: Likely benign (2). 1 of the submissions does not count toward it. Last evaluated 2026-02-02.

Conditions:
Inborn genetic diseases. Identifiers: MedGen C0950123, MeSH D030342.
NBAS-related disorder. Also called: NBAS-related condition.

Allele frequency attached by ClinVar (database versions not stated): 1000 Genomes Project 30x 0.00016; 1000 Genomes Project 0.00020; gnomAD 0.00021 and 0.00027; TOPMed 0.00021; gnomAD exomes 0.00043 and 0.00048; ESP Exome Variant Server 0.00046; ExAC 0.00053.
gnomAD v4.1: 685 of 1,613,754 alleles (0.042%); highest among the groups gnomAD compares: South Asian, 0.22%; 2 homozygotes.

Submissions (3):

Labcorp Genetics (formerly Invitae), Labcorp
Classification: Likely benign. Last evaluated: 2026-02-02. Review status: criteria provided, single submitter. Criteria: Invitae Variant Classification Sherloc (09022015). Collection method: clinical testing. Allele origin: germline.

Ambry Genetics
Classification: Likely benign for Inborn genetic diseases. Last evaluated: 2025-06-19. Review status: criteria provided, single submitter. Criteria: Ambry Variant Classification Scheme 2023. Collection method: clinical testing. Allele origin: germline.

PreventionGenetics, part of Exact Sciences
Classification: Likely benign for NBAS-related condition. Last evaluated: 2023-01-17. Review status: no assertion criteria provided. Collection method: clinical testing. Allele origin: germline. Not counted in ClinVar's aggregate classification.
Comment: This variant is classified as likely benign based on ACMG/AMP sequence variant interpretation guidelines (Richards et al. 2015 PMID: 25741868, with internal and published modifications).